The following is an entry in ClinVar:

NM_004304.5(ALK):c.1430G>T (p.Gly477Val)

Gene: ALK (ALK receptor tyrosine kinase; minus strand). Cytogenetic location: 2p23.2.
Variant type: single nucleotide variant.
Coding change: c.1430G>T on transcript NM_004304.5 (MANE Select); coding-DNA position 1430, G replaced by T.
Protein change: p.Gly477Val; replaces glycine 477 with valine.
Molecular consequence: missense variant.
Genome position (GRCh38, 1-based): chr2:29,320,867, C>A on the plus strand (G>T on the coding strand, the complement: ALK is on the minus strand). VCF-style: chr2-29320867-C-A. GRCh37 (hg19) VCF-style: chr2-29543733-C-A.
Other names: short protein forms G477V.
Identifiers: ClinVar variation 4040325 (VCV004040325.1).
Genomic context (GRCh38, chr2:29,320,867, plus strand): 5'-TGGGGTGACAGTGTGCCTTGGGTCCAGCCACAGAAGCCATCTTCAAAGTTGCAGTAAAAA[C>A]CCACAGGCAGTTTCCCTATGGAGAGAGCAGAGAGGCACCATCATTTTCAGGACCACTAAA-3'
Protein context (NP_004295.2, residues 467-487): ESQMCRKLPV[Gly477Val]FYCNFEDGFC

ClinVar aggregate classification (germline): Uncertain significance (1 of 4 stars; one submission).

Conditions:
Hereditary cancer-predisposing syndrome. Also called: Neoplastic Syndromes, Hereditary; Tumor predisposition; Hereditary neoplastic syndrome; Hereditary Cancer Syndrome. Identifiers: Orphanet 140162, MedGen C0027672, MeSH D009386, MONDO:0015356.

Submission:

Ambry Genetics
Classification: Uncertain significance for Hereditary cancer-predisposing syndrome. Last evaluated: 2025-03-24. Review status: criteria provided, single submitter. Criteria: Ambry Variant Classification Scheme 2023. Collection method: clinical testing. Allele origin: germline.
Comment: The p.G477V variant (also known as c.1430G>T), located in coding exon 7 of the ALK gene, results from a G to T substitution at nucleotide position 1430. The glycine at codon 477 is replaced by valine, an amino acid with dissimilar properties. This amino acid position is conserved. In addition, the in silico prediction for this alteration is inconclusive. Based on the available evidence, the clinical significance of this variant remains unclear.